The following is an entry in ClinVar:

ClinVar aggregate classification (germline): Pathogenic/Likely pathogenic. Review status: criteria provided, multiple submitters, no conflicts (2 of 4 stars). 3 submissions from 3 submitters: Pathogenic (2); Likely pathogenic (1). Last evaluated 2025-01-05.

Conditions:
Hereditary cancer-predisposing syndrome. Also called: Hereditary Cancer Syndrome; Hereditary neoplastic syndrome; Neoplastic Syndromes, Hereditary; Tumor predisposition. Identifiers: Orphanet 140162, MedGen C0027672, MeSH D009386, MONDO:0015356.
Familial meningioma. Also called: Meningioma, familial, susceptibility to. Identifiers: Orphanet 263662, MedGen C3551915, MONDO:0011789, OMIM 607174.

Submissions (3):

Labcorp Genetics (formerly Invitae), Labcorp
Classification: Pathogenic for Familial meningioma. Last evaluated: 2025-01-05. Review status: criteria provided, single submitter. Criteria: Invitae Variant Classification Sherloc (09022015). Collection method: clinical testing. Allele origin: germline.
Comment: This sequence change creates a premature translational stop signal (p.Gly185Alafs*4) in the SMARCE1 gene. It is expected to result in an absent or disrupted protein product. Loss-of-function variants in SMARCE1 are known to be pathogenic (PMID: 23377182). This variant is not present in population databases (gnomAD no frequency). This variant has not been reported in the literature in individuals affected with SMARCE1-related conditions. ClinVar contains an entry for this variant (Variation ID: 1748232). For these reasons, this variant has been classified as Pathogenic.

Institute for Genomic Medicine (IGM) Clinical Laboratory, Nationwide Children's Hospital
Classification: Likely pathogenic for Familial meningioma. Last evaluated: 2023-10-19. Review status: criteria provided, single submitter. Criteria: ACMG Guidelines, 2015. Collection method: clinical testing. Allele origin: germline.
Comment: This variant is predicted to result in loss of function through nonsense-mediated decay of the encoded transcript or premature truncation of the encoded protein in a gene in which loss of function is a known mechanism of disease (ACMG/AMP: PVS1; PMID:23377182). This variant is absent from or present at an exceedingly low frequency in gnomAD, a large-scale control population database (ACMG/AMP: PM2).

Ambry Genetics
Classification: Pathogenic for Hereditary cancer-predisposing syndrome. Last evaluated: 2022-09-29. Review status: criteria provided, single submitter. Criteria: Ambry Variant Classification Scheme 2023. Collection method: clinical testing. Allele origin: germline.
Comment: The c.554delG pathogenic mutation, located in coding exon 7 of the SMARCE1 gene, results from a deletion of one nucleotide at nucleotide position 554, causing a translational frameshift with a predicted alternate stop codon (p.G185Afs*4). This alteration is expected to result in loss of function by premature protein truncation or nonsense-mediated mRNA decay. Loss-of-function variants in SMARCE1 are known to cause increased risk of meningiomas; however, such associations with neurodevelopmental disorders are exceedingly rare (Kosho T et al. Am J Med Genet C Semin Med Genet. 2014 Sep;166C(3):262-75; Smith JM et al. Nat Genet. 2013 Mar;45(3):295-8). Based on the supporting evidence, this alteration is pathogenic for an increased risk of meningiomas; however, the association of this alteration with Coffin-Siris syndrome is unlikely.

Literature cited by the submitters: PubMed 23377182 (cited by Labcorp Genetics (formerly Invitae), Labcorp and Institute for Genomic Medicine (IGM) Clinical Laboratory, Nationwide Children's Hospital).

NM_003079.5(SMARCE1):c.554del (p.Gly185fs)

Gene: SMARCE1 (SWI/SNF related BAF chromatin remodeling complex subunit E1; minus strand). Cytogenetic location: 17q21.2.
Variant type: Deletion.
Coding change: c.554del on transcript NM_003079.5 (MANE Select); coding-DNA position 554, one base deleted (G; older notation c.554delG).
Protein change: p.Gly185fs; shifts the reading frame from glycine 185.
Molecular consequence: frameshift variant.
Genome position (GRCh38, 1-based): chr17:40,632,355, C deleted on the plus strand (G on the coding strand, the reverse complement: SMARCE1 is on the minus strand); the first of 2 consecutive C bases (chr17:40,632,355-40,632,356); deleting either gives the same sequence. VCF-style (leftmost placement, unchanged base first): chr17-40632354-GC-G. GRCh37 (hg19) VCF-style: chr17-38788606-GC-G.
Other names: c.554delG (NM_003079.4); short protein forms G185fs.
Identifiers: ClinVar variation 1748232 (VCV001748232.6), dbSNP rs2508598549, ClinGen allele CA2580093768.